The following is an entry in ClinVar:

NM_000059.4(BRCA2):c.7672G>T (p.Glu2558Ter)

Gene: BRCA2 (BRCA2 DNA repair associated; plus strand). Cytogenetic location: 13q13.1.
Variant type: single nucleotide variant.
Coding change: c.7672G>T on transcript NM_000059.4 (MANE Select); coding-DNA position 7672, G replaced by T.
Protein change: p.Glu2558Ter; replaces glutamic acid 2558 with a stop codon.
Molecular consequence: nonsense. On other transcripts: non-coding transcript variant (1).
Genome position (GRCh38, 1-based): chr13:32,357,796, G>T. VCF-style: chr13-32357796-G-T. GRCh37 (hg19) VCF-style: chr13-32931933-G-T.
Other names: c.7576G>T, p.Glu2526Ter (NM_001406719.1); c.7672G>T, p.Glu2558Ter (NM_001406720.1, NM_001432077.1); c.2740G>T, p.Glu914Ter (NM_001406721.1); c.1255G>T, p.Glu419Ter (NM_001406722.1); short protein forms E914*, E2558*, E419*, E2526*.
Identifiers: ClinVar variation 4763861 (VCV004763861.1).

ClinVar aggregate classification (germline): Pathogenic (1 of 4 stars; one submission).

Conditions:
Hereditary breast ovarian cancer syndrome. Also called: Breast and ovarian cancer; BRCA1- and BRCA2-Associated Hereditary Breast and Ovarian Cancer; Hereditary breast and ovarian cancer; Hereditary breast and ovarian cancer syndrome (HBOC); Hereditary breast and/or ovarian cancer syndrome; Hereditary breast and ovarian cancer syndrome. Identifiers: Orphanet 145, MedGen C0677776, MeSH D061325, MONDO:0003582. Disease mechanism: loss of function.

Submission:

Labcorp Genetics (formerly Invitae), Labcorp
Classification: Pathogenic for Hereditary breast ovarian cancer syndrome. Last evaluated: 2025-11-19. Review status: criteria provided, single submitter. Criteria: Invitae Variant Classification Sherloc (09022015). Collection method: clinical testing. Allele origin: germline.
Comment: This sequence change creates a premature translational stop signal (p.Glu2558*) in the BRCA2 gene. It is expected to result in an absent or disrupted protein product. Loss-of-function variants in BRCA2 are known to be pathogenic (PMID: 20104584). This variant is not present in population databases (gnomAD no frequency). This premature translational stop signal has been observed in individual(s) with breast and/or ovarian cancer (PMID: 31825140). Algorithms developed to predict the effect of sequence changes on RNA splicing suggest that this variant may create or strengthen a splice site. For these reasons, this variant has been classified as Pathogenic.

Literature cited by the submitters: PubMed 20104584; PubMed 31825140.